The following is an entry in ClinVar:

NM_000540.3(RYR1):c.4459A>T (p.Lys1487Ter)

Gene: RYR1 (ryanodine receptor 1; plus strand). Cytogenetic location: 19q13.2.
Variant type: single nucleotide variant.
Coding change: c.4459A>T on transcript NM_000540.3 (MANE Select); coding-DNA position 4459, A replaced by T.
Protein change: p.Lys1487Ter; replaces lysine 1487 with a stop codon.
Molecular consequence: nonsense.
Genome position (GRCh38, 1-based): chr19:38,478,439, A>T. VCF-style: chr19-38478439-A-T. GRCh37 (hg19) VCF-style: chr19-38969079-A-T.
Other names: c.4459A>T, p.Lys1487Ter (NM_001042723.2); short protein forms K1487*.
Identifiers: ClinVar variation 2418907 (VCV002418907.6), dbSNP rs1968852685, ClinGen allele CA405646686.
Genomic context (GRCh38, chr19:38,478,439, plus strand): 5'-CCAGGGTCCAGAGCTACTCACATGAGGAGTGCAGTGACCGCTTCTGTCTCCTGCAGCCTC[A>T]AGTGTAGCAACTGCTACATGGTGTGGGGCGGAGACTTTGTGAGTCCCGGGCAGCAGGGCC-3'

ClinVar aggregate classification (germline): Pathogenic (1 of 4 stars; one submission).

Conditions:
RYR1-related disorder. Also called: RYR1-related condition; RYR1-related disorders. Identifiers: MedGen CN239331.

Submission:

Labcorp Genetics (formerly Invitae), Labcorp
Classification: Pathogenic for RYR1-related disorder. Last evaluated: 2022-04-11. Review status: criteria provided, single submitter. Criteria: Invitae Variant Classification Sherloc (09022015). Collection method: clinical testing. Allele origin: germline.
Comment: For these reasons, this variant has been classified as Pathogenic. This variant has not been reported in the literature in individuals affected with RYR1-related conditions. This variant is not present in population databases (gnomAD no frequency). This sequence change creates a premature translational stop signal (p.Lys1487*) in the RYR1 gene. It is expected to result in an absent or disrupted protein product. Loss-of-function variants in RYR1 are known to be pathogenic (PMID: 20583297, 20839240, 23919265, 28818389).

Literature cited by the submitters: PubMed 20583297; PubMed 20839240; PubMed 23919265; PubMed 28818389.